The following is an entry in ClinVar:

ClinVar aggregate classification (germline): Uncertain significance (1 of 4 stars; one submission).

Conditions:
Primary failure of tooth eruption. Also called: DENTAL NONERUPTION; PRIMARY RETENTION OF TEETH; UNERUPTED SECOND PRIMARY MOLAR; POSTERIOR OPENBITE MALOCCLUSION, FAMILIAL. Identifiers: Orphanet 412206, MedGen C1852222, MONDO:0007434, OMIM 125350.

Submission:

Institute of Human Genetics, University of Leipzig Medical Center
Classification: Uncertain significance for Primary failure of tooth eruption. Last evaluated: 2026-09-01. Review status: criteria provided, single submitter. Criteria: ACMG Guidelines, 2015. Collection method: clinical testing. Allele origin: unknown. Inheritance: Autosomal dominant inheritance. Affected: yes.
Comment: Criteria applied: PM2,PP4

NM_000316.3(PTH1R):c.434A>G (p.Tyr145Cys)

Gene: PTH1R (parathyroid hormone 1 receptor; plus strand). Cytogenetic location: 3p21.31.
Variant type: single nucleotide variant.
Coding change: c.434A>G on transcript NM_000316.3 (MANE Select); coding-DNA position 434, A replaced by G.
Protein change: p.Tyr145Cys; replaces tyrosine 145 with cysteine.
Molecular consequence: missense variant.
Genome position (GRCh38, 1-based): chr3:46,898,083, A>G. VCF-style: chr3-46898083-A-G. GRCh37 (hg19) VCF-style: chr3-46939573-A-G.
Other names: c.434A>G, p.Tyr145Cys (NM_001184744.1); short protein forms Y145C.
Identifiers: ClinVar variation 4890754 (VCV004890754.1).